The following is an entry in ClinVar:

ClinVar aggregate classification (germline): Uncertain significance (1 of 4 stars; one submission).

Submission:

Women's Health and Genetics/Laboratory Corporation of America, LabCorp
Classification: Uncertain significance. Last evaluated: 2023-12-14. Review status: criteria provided, single submitter. Criteria: LabCorp Variant Classification Summary - May 2015. Collection method: clinical testing. Allele origin: germline.
Comment: Variant summary: G6PD c.202G>A (p.Gly68Ser) results in a non-conservative amino acid change located in the NAD-binding domain (IPR022674) of the encoded protein sequence. Five of five in-silico tools predict a damaging effect of the variant on protein function. Consensus agreement among computation tools predict no significant impact on normal splicing. However, these predictions have yet to be confirmed by functional studies. The variant was absent in 182562 control chromosomes (gnomAD). The available data on variant occurrences in the general population are insufficient to allow any conclusion about variant significance. To our knowledge, no occurrence of c.202G>A in individuals affected with Glucose 6 Phosphate Dehydrogenase Deficiency and no experimental evidence demonstrating its impact on protein function have been reported. No submitters have reported clinical-significance assessments for this variant to ClinVar after 2014. Based on the evidence outlined above, the variant was classified as uncertain significance.

NM_001360016.2(G6PD):c.112G>A (p.Gly38Ser)

Genes: G6PD (glucose-6-phosphate dehydrogenase; minus strand), IKBKG (inhibitor of nuclear factor kappa B kinase regulatory subunit gamma; plus strand). Cytogenetic location: Xq28.
Variant type: single nucleotide variant.
Coding change: c.112G>A on transcript NM_001360016.2 (MANE Select); coding-DNA position 112, G replaced by A.
Protein change: p.Gly38Ser; replaces glycine 38 with serine.
Molecular consequence: missense variant. On other transcripts: intron variant (4).
Genome position (GRCh38, 1-based): chrX:154,546,044, C>T on the plus strand (G>A on the coding strand, the complement: G6PD is on the minus strand). VCF-style: chrX-154546044-C-T. GRCh37 (hg19) VCF-style: chrX-153774259-C-T.
Other names: c.202G>A, p.Gly68Ser (NM_000402.4); c.112G>A, p.Gly38Ser (NM_001042351.3); c.-16+4653C>T (NM_001377312.1, NM_001377313.1); c.189+3592C>T (NM_001099856.6); c.-16+3657C>T (NM_001321396.3); short protein forms G38S, G68S.
Identifiers: ClinVar variation 2691687 (VCV002691687.1), dbSNP rs2523308296, ClinGen allele CA415201737.